The following is an entry in ClinVar:

ClinVar aggregate classification (germline): Uncertain significance (1 of 4 stars; one submission).

Submission:

Greenwood Genetic Center Diagnostic Laboratories, Greenwood Genetic Center
Classification: Uncertain significance. Last evaluated: 2024-03-06. Review status: criteria provided, single submitter. Criteria: ACMG Guidelines, 2015. Collection method: clinical testing. Allele origin: germline. Affected: yes.
Comment: Gene of Uncertain Significance

NM_001386863.1(ACIN1):c.277C>T (p.Arg93Cys)

Gene: ACIN1 (apoptotic chromatin condensation inducer 1; minus strand). Cytogenetic location: 14q11.2.
Variant type: single nucleotide variant.
Coding change: c.277C>T on transcript NM_001386863.1 (MANE Select); coding-DNA position 277, C replaced by T.
Protein change: p.Arg93Cys; replaces arginine 93 with cysteine.
Molecular consequence: missense variant.
Genome position (GRCh38, 1-based): chr14:23,090,561, G>A on the plus strand (C>T on the coding strand, the complement: ACIN1 is on the minus strand). VCF-style: chr14-23090561-G-A. GRCh37 (hg19) VCF-style: chr14-23559770-G-A.
Other names: c.451C>T, p.Arg151Cys (NM_001164814.2, NM_001164815.2, NM_014977.4); short protein forms R151C, R93C.
Identifiers: ClinVar variation 3235782 (VCV003235782.1), dbSNP rs2503523307, ClinGen allele CA389019342.